The following is an entry in ClinVar:

NM_005235.3(ERBB4):c.3136-5A>G

Gene: ERBB4 (erb-b2 receptor tyrosine kinase 4; minus strand). Cytogenetic location: 2q34.
Variant type: single nucleotide variant.
Coding change: c.3136-5A>G on transcript NM_005235.3 (MANE Select); 5 bases into the intron before coding-DNA position 3136, A replaced by G.
Molecular consequence: intron variant.
Genome position (GRCh38, 1-based): chr2:211,387,997, T>C on the plus strand (A>G on the coding strand, the complement: ERBB4 is on the minus strand). VCF-style: chr2-211387997-T-C. GRCh37 (hg19) VCF-style: chr2-212252722-T-C.
Other names: c.3136-847A>G (NM_001042599.2); c.3106-847A>G (NM_001439006.1); c.3106-5A>G (NM_001439005.1).
Identifiers: ClinVar variation 2167384 (VCV002167384.6), dbSNP rs188179744, ClinGen allele CA2087518.

ClinVar aggregate classification (germline): Likely benign. Review status: criteria provided, single submitter (1 of 4 stars). 2 submissions from 2 submitters: Likely benign (1). 1 of the submissions does not count toward it. Last evaluated 2025-11-25.

Conditions:
ERBB4-related disorder. Also called: ERBB4-related condition.

Allele frequency attached by ClinVar (database versions not stated): gnomAD exomes 0.00003; TOPMed 0.00005; gnomAD 0.00006; ExAC 0.00012; 1000 Genomes Project 30x 0.00047; 1000 Genomes Project 0.00060.
gnomAD v4.1: 59 of 1,592,446 alleles (0.0037%); highest among the groups gnomAD compares: East Asian, 0.047%; no homozygotes.

Submissions (2):

Labcorp Genetics (formerly Invitae), Labcorp
Classification: Likely benign. Last evaluated: 2025-11-25. Review status: criteria provided, single submitter. Criteria: Invitae Variant Classification Sherloc (09022015). Collection method: clinical testing. Allele origin: germline.

PreventionGenetics, part of Exact Sciences
Classification: Likely benign for ERBB4-related condition. Last evaluated: 2023-03-15. Review status: no assertion criteria provided. Collection method: clinical testing. Allele origin: germline. Not counted in ClinVar's aggregate classification.
Comment: This variant is classified as likely benign based on ACMG/AMP sequence variant interpretation guidelines (Richards et al. 2015 PMID: 25741868, with internal and published modifications).